The following is an entry in ClinVar:

ClinVar aggregate classification (germline): Benign. Review status: criteria provided, multiple submitters, no conflicts (2 of 4 stars). 10 submissions from 9 submitters: Benign (9). 1 of the submissions does not count toward it. Last evaluated 2026-06-19.

Conditions:
Usher syndrome type 1 (USH1). Also called: RETINITIS PIGMENTOSA AND CONGENITAL DEAFNESS. Identifiers: Orphanet 231169, Orphanet 886, MedGen C1568247, MONDO:0010168, OMIM 276900.
Usher syndrome type 1D (USH1D). Also called: USHER SYNDROME, TYPE ID. Identifiers: Orphanet 231169, Orphanet 886, MedGen C1832845, MONDO:0010984, OMIM 601067.
Autosomal recessive nonsyndromic hearing loss 12. Also called: DEAFNESS, AUTOSOMAL RECESSIVE 12. Identifiers: Orphanet 90636, MedGen C1832394, MONDO:0011067, OMIM 601386.

Allele frequency attached by ClinVar (database versions not stated): ESP Exome Variant Server 0.24883; gnomAD 0.27322 and 0.27588; gnomAD exomes 0.31060 and 0.28980; 1000 Genomes Project 30x 0.32527; ExAC 0.30186; TOPMed 0.27842; 1000 Genomes Project 0.32847.
gnomAD v4.1: 465,518 of 1,613,728 alleles (29%); highest among the groups gnomAD compares: East Asian, 57%; 70,525 homozygotes.

Submissions (10):

Women's Health and Genetics/Laboratory Corporation of America, LabCorp
Classification: Benign. Last evaluated: 2026-06-19. Review status: criteria provided, single submitter. Criteria: LabCorp Variant Classification Summary - May 2015. Collection method: clinical testing. Allele origin: germline.

Labcorp Genetics (formerly Invitae), Labcorp
Classification: Benign. Last evaluated: 2026-02-04. Review status: criteria provided, single submitter. Criteria: Invitae Variant Classification Sherloc (09022015). Collection method: clinical testing. Allele origin: germline.

Mayo Clinic Laboratories, Mayo Clinic
Classification: Benign. Last evaluated: 2020-10-01. Review status: criteria provided, single submitter. Criteria: ACMG Guidelines, 2015. Collection method: clinical testing. Allele origin: germline. Observed: 78 variant alleles.

Illumina Laboratory Services, Illumina
Classification: Benign for Autosomal recessive nonsyndromic hearing loss 12. Last evaluated: 2018-01-13. Review status: criteria provided, single submitter. Criteria: ICSL Variant Classification Criteria 13 December 2019. Collection method: clinical testing. Allele origin: germline.
Comment: This variant was observed in the ICSL laboratory as part of a predisposition screen in an ostensibly healthy population. It had not been previously curated by ICSL or reported in the Human Gene Mutation Database (HGMD: prior to June 1st, 2018), and was therefore a candidate for classification through an automated scoring system. Utilizing variant allele frequency, disease prevalence and penetrance estimates, and inheritance mode, an automated score was calculated to assess if this variant is too frequent to cause the disease. Based on the score and internal cut-off values, a variant classified as benign is not then subjected to further curation. The score for this variant resulted in a classification of benign for this disease.

Illumina Laboratory Services, Illumina
Classification: Benign for Usher syndrome type 1D. Last evaluated: 2018-01-13. Review status: criteria provided, single submitter. Criteria: ICSL Variant Classification Criteria 13 December 2019. Collection method: clinical testing. Allele origin: germline.
Comment: the same text as in the submission from Illumina Laboratory Services, Illumina above.

GeneDx
Classification: Benign. Last evaluated: 2013-01-08. Review status: criteria provided, single submitter. Criteria: GeneDx Variant Classification (06012015). Collection method: clinical testing. Allele origin: germline. Affected: yes.
Comment: This variant is considered likely benign or benign based on one or more of the following criteria: it is a conservative change, it occurs at a poorly conserved position in the protein, it is predicted to be benign by multiple in silico algorithms, and/or has population frequency not consistent with disease.

Laboratory for Molecular Medicine, Mass General Brigham Personalized Medicine
Classification: Benign. Last evaluated: 2009-06-12. Review status: criteria provided, single submitter. Criteria: LMM Criteria. Collection method: clinical testing. Allele origin: germline. Observed: 1,051 variant alleles.

Breakthrough Genomics
Classification: Benign. Review status: criteria provided, single submitter. Criteria: ACMG Guidelines, 2015. Collection method: not provided. Allele origin: germline. Inheritance: Autosomal recessive inheritance. Affected: yes.

PreventionGenetics, part of Exact Sciences
Classification: Benign. Review status: criteria provided, single submitter. Criteria: ACMG Guidelines, 2015. Collection method: clinical testing. Allele origin: germline.

Natera, Inc.
Classification: Benign for Usher syndrome type 1. Last evaluated: 2020-09-16. Review status: no assertion criteria provided. Collection method: clinical testing. Allele origin: germline. Not counted in ClinVar's aggregate classification.

NM_022124.6(CDH23):c.7572G>A (p.Ala2524=)

Gene: CDH23 (cadherin related 23; plus strand). Cytogenetic location: 10q22.1.
Variant type: single nucleotide variant.
Coding change: c.7572G>A on transcript NM_022124.6 (MANE Select); coding-DNA position 7572, G replaced by A.
Protein change: p.Ala2524=; no amino-acid change (alanine 2524 retained).
Molecular consequence: synonymous variant.
Genome position (GRCh38, 1-based): chr10:71,802,987, G>A. VCF-style: chr10-71802987-G-A. GRCh37 (hg19) VCF-style: chr10-73562744-G-A.
Other names: p.A2524A:GCG>GCA; p.Ala2524=; c.852G>A, p.Ala284= (NM_001171933.1, NM_001171934.1).
Identifiers: ClinVar variation 46034 (VCV000046034.21), dbSNP rs10823849, ClinGen allele CA137575.